The following is an entry in ClinVar:

ClinVar aggregate classification (germline): Likely pathogenic (0 of 4 stars; one submission).

Conditions:
IFT140-related disorder. Also called: IFT140-related condition.

gnomAD v4.1: 2 of 1,577,752 alleles (0.00013%); highest among the groups gnomAD compares: Admixed American, 0.0036%; no homozygotes.

Submission:

PreventionGenetics, part of Exact Sciences
Classification: Likely pathogenic for IFT140-related condition. Last evaluated: 2024-03-28. Review status: no assertion criteria provided. Collection method: clinical testing. Allele origin: germline.
Comment: The IFT140 c.2712C>A variant is predicted to result in premature protein termination (p.Tyr904*). To our knowledge, this variant has not been reported in the literature. This variant is reported in 0.0035% of alleles in individuals of Latino descent in gnomAD. Nonsense variants in IFT140 are expected to be pathogenic. This variant is interpreted as likely pathogenic.

NM_014714.4(IFT140):c.2712C>A (p.Tyr904Ter)

Gene: IFT140 (intraflagellar transport 140; minus strand). Cytogenetic location: 16p13.3.
Variant type: single nucleotide variant.
Coding change: c.2712C>A on transcript NM_014714.4 (MANE Select); coding-DNA position 2712, C replaced by A.
Protein change: p.Tyr904Ter; replaces tyrosine 904 with a stop codon.
Molecular consequence: nonsense.
Genome position (GRCh38, 1-based): chr16:1,525,943, G>T on the plus strand (C>A on the coding strand, the complement: IFT140 is on the minus strand). VCF-style: chr16-1525943-G-T. GRCh37 (hg19) VCF-style: chr16-1575944-G-T.
Other names: short protein forms Y904*.
Identifiers: ClinVar variation 3350161 (VCV003350161.1).